The following is an entry in ClinVar:

ClinVar aggregate classification (germline): Uncertain significance (1 of 4 stars; one submission).

Conditions:
Wilson disease (WND). Also called: Wilson's disease. Identifiers: Orphanet 905, MedGen C0019202, MONDO:0010200, OMIM 277900. Disease mechanism: loss of function.

gnomAD v4.1: 4 of 1,614,220 alleles (0.00025%); highest among the groups gnomAD compares: Non-Finnish European, 0.00034%; no homozygotes.

Submission:

Labcorp Genetics (formerly Invitae), Labcorp
Classification: Uncertain significance for Wilson disease. Last evaluated: 2025-08-21. Review status: criteria provided, single submitter. Criteria: Invitae Variant Classification Sherloc (09022015). Collection method: clinical testing. Allele origin: germline.
Comment: This sequence change replaces methionine, which is neutral and non-polar, with leucine, which is neutral and non-polar, at codon 33 of the ATP7B protein (p.Met33Leu). This variant is not present in population databases (gnomAD no frequency). This variant has not been reported in the literature in individuals affected with ATP7B-related conditions. Invitae Evidence Modeling of protein sequence and biophysical properties (such as structural, functional, and spatial information, amino acid conservation, physicochemical variation, residue mobility, and thermodynamic stability) has been performed for this missense variant. However, the output from this modeling did not meet the statistical confidence thresholds required to predict the impact of this variant on ATP7B protein function. In summary, the available evidence is currently insufficient to determine the role of this variant in disease. Therefore, it has been classified as a Variant of Uncertain Significance.

NM_000053.4(ATP7B):c.97A>C (p.Met33Leu)

Gene: ATP7B (ATPase copper transporting beta; minus strand). Cytogenetic location: 13q14.3.
Variant type: single nucleotide variant.
Coding change: c.97A>C on transcript NM_000053.4 (MANE Select); coding-DNA position 97, A replaced by C.
Protein change: p.Met33Leu; replaces methionine 33 with leucine.
Molecular consequence: missense variant. On other transcripts: initiator codon variant (7).
Genome position (GRCh38, 1-based): chr13:51,975,123, T>G on the plus strand (A>C on the coding strand, the complement: ATP7B is on the minus strand). VCF-style: chr13-51975123-T-G. GRCh37 (hg19) VCF-style: chr13-52549259-T-G.
Other names: c.97A>C, p.Met33Leu (NM_001406541.1, NM_001406542.1, NM_001406545.1 and 30 more transcripts); c.1A>C, p.Met1Leu (NM_001406543.1, NM_001406544.1, NM_001406536.1 and 4 more transcripts); short protein forms M33L, M1L.
Identifiers: ClinVar variation 4699961 (VCV004699961.1).
Genomic context (GRCh38, chr13:51,975,123, plus strand): 5'-GGCCCAGGCCATCCAGACCACCTTCATAGCCAACATTGTCAAAAGCAAAACTCTTCTTCA[T>G]TGCTGGTTCCCAGGCACGGGTAGGCAAAGAAAGCTTAGATAAGATCTAAAAAGAAAAGAA-3'
Protein context (NP_000044.2, residues 23-43): SLPTRAWEPA[Met33Leu]KKSFAFDNVG